The following is an entry in ClinVar:

NM_052934.4(SLC26A9):c.2085G>A (p.Val695=)

Gene: SLC26A9 (solute carrier family 26 member 9; minus strand). Cytogenetic location: 1q32.1.
Variant type: single nucleotide variant.
Coding change: c.2085G>A on transcript NM_052934.4 (MANE Select); coding-DNA position 2085, G replaced by A.
Protein change: p.Val695=; no amino-acid change (valine 695 retained).
Molecular consequence: synonymous variant.
Genome position (GRCh38, 1-based): chr1:205,920,201, C>T on the plus strand (G>A on the coding strand, the complement: SLC26A9 is on the minus strand). VCF-style: chr1-205920201-C-T. GRCh37 (hg19) VCF-style: chr1-205889329-C-T.
Other names: c.2085G>A, p.Val695= (NM_134325.3).
Identifiers: ClinVar variation 403453 (VCV000403453.5), dbSNP rs16856470, ClinGen allele CA1358316.

ClinVar aggregate classification (germline): Benign. Review status: criteria provided, multiple submitters, no conflicts (2 of 4 stars). 2 submissions from 2 submitters: Benign (2). Last evaluated 2016-03-29.

Allele frequency attached by ClinVar (database versions not stated): 1000 Genomes Project 0.04752; 1000 Genomes Project 30x 0.04919; gnomAD exomes 0.06261 and 0.07017; ExAC 0.06349; gnomAD 0.06945 and 0.07210; TOPMed 0.07333; ESP Exome Variant Server 0.07912.
gnomAD v4.1: 113,453 of 1,613,834 alleles (7%); highest among the groups gnomAD compares: Middle Eastern, 14%; 4,294 homozygotes.

Submissions (2):

Laboratory for Molecular Medicine, Mass General Brigham Personalized Medicine
Classification: Benign. Last evaluated: 2016-03-29. Review status: criteria provided, single submitter. Criteria: LMM Criteria. Collection method: clinical testing. Allele origin: germline.
Comment: Variant identified in a genome or exome case(s) and assessed due to predicted null impact of the variant or pathogenic assertions in the literature or databases. Disclaimer: This variant has not undergone full assessment. The following are preliminary notes: Frequency

Breakthrough Genomics
Classification: Benign. Review status: criteria provided, single submitter. Criteria: ACMG Guidelines, 2015. Collection method: not provided. Allele origin: germline. Inheritance: Unknown mechanism. Affected: yes.